The following is an entry in ClinVar:

ClinVar aggregate classification (germline): Uncertain significance. Review status: criteria provided, multiple submitters, no conflicts (2 of 4 stars). 8 submissions from 8 submitters: Uncertain significance (8). Last evaluated 2025-04-14.

Conditions:
Hereditary cancer-predisposing syndrome. Also called: Neoplastic Syndromes, Hereditary; Tumor predisposition; Hereditary neoplastic syndrome; Hereditary Cancer Syndrome. Identifiers: Orphanet 140162, MedGen C0027672, MeSH D009386, MONDO:0015356.
BAP1-related tumor predisposition syndrome (TPDS1). Also called: Tumor susceptibility linked to germline BAP1 mutations; BAP1 tumor predisposition syndrome; TUMOR PREDISPOSITION SYNDROME 1; COMMON Syndrome. Identifiers: Orphanet 289539, MedGen C3280492, MONDO:0013692, OMIM 614327.

Allele frequency attached by ClinVar (database versions not stated): TOPMed below 0.00001; gnomAD 0.00001; gnomAD exomes 0.00001; ExAC 0.00002.
gnomAD v4.1: 4 of 1,594,962 alleles (0.00025%); highest among the groups gnomAD compares: Admixed American, 0.0035%; no homozygotes.

Submissions (8):

Labcorp Genetics (formerly Invitae), Labcorp
Classification: Uncertain significance for BAP1-related tumor predisposition syndrome. Last evaluated: 2025-04-14. Review status: criteria provided, single submitter. Criteria: Invitae Variant Classification Sherloc (09022015). Collection method: clinical testing. Allele origin: germline.
Comment: This sequence change replaces arginine, which is basic and polar, with cysteine, which is neutral and slightly polar, at codon 720 of the BAP1 protein (p.Arg720Cys). The frequency data for this variant in the population databases is considered unreliable, as metrics indicate poor data quality at this position in the gnomAD database. This variant has not been reported in the literature in individuals affected with BAP1-related conditions. ClinVar contains an entry for this variant (Variation ID: 629895). Invitae Evidence Modeling of protein sequence and biophysical properties (such as structural, functional, and spatial information, amino acid conservation, physicochemical variation, residue mobility, and thermodynamic stability) has been performed for this missense variant. However, the output from this modeling did not meet the statistical confidence thresholds required to predict the impact of this variant on BAP1 protein function. In summary, the available evidence is currently insufficient to determine the role of this variant in disease. Therefore, it has been classified as a Variant of Uncertain Significance.

Center for Genomic Medicine, Rigshospitalet, Copenhagen University Hospital
Classification: Uncertain significance. Last evaluated: 2025-03-04. Review status: criteria provided, single submitter. Criteria: ACMG Guidelines, 2015. Collection method: clinical testing. Allele origin: germline.

Molecular Pathology, Peter Maccallum Cancer Centre
Classification: Uncertain significance for BAP1-related tumor predisposition syndrome. Last evaluated: 2025-01-16. Review status: criteria provided, single submitter. Criteria: ACMG Guidelines, 2015. Collection method: clinical testing. Allele origin: germline. Inheritance: Autosomal dominant inheritance.

Quest Diagnostics Nichols Institute San Juan Capistrano
Classification: Uncertain significance. Last evaluated: 2024-12-10. Review status: criteria provided, single submitter. Criteria: Quest Diagnostics criteria. Collection method: clinical testing. Allele origin: unknown.
Comment: The BAP1 c.2158C>T (p.Arg720Cys) variant has been reported in the published literature in an individual with pancreatic cancer (PMID: 32255556 (2020)). The frequency of this variant in the general population (Genome Aggregation Database) is uninformative in the assessment of its pathogenicity. Analysis of this variant using bioinformatics tools for the prediction of the effect of amino acid changes on protein structure and function yielded predictions that this variant is damaging. Based on the available information, we are unable to determine the clinical significance of this variant.

Ambry Genetics
Classification: Uncertain significance for Hereditary cancer-predisposing syndrome. Last evaluated: 2024-06-05. Review status: criteria provided, single submitter. Criteria: Ambry Variant Classification Scheme 2023. Collection method: clinical testing. Allele origin: germline.
Comment: The p.R720C variant (also known as c.2158C>T), located in coding exon 17 of the BAP1 gene, results from a C to T substitution at nucleotide position 2158. The arginine at codon 720 is replaced by cysteine, an amino acid with highly dissimilar properties. This amino acid position is highly conserved in available vertebrate species. In addition, this alteration is predicted to be tolerated by in silico analysis. Based on the available evidence, the clinical significance of this variant remains unclear.

Baylor Genetics
Classification: Uncertain significance for BAP1-related tumor predisposition syndrome. Last evaluated: 2024-02-19. Review status: criteria provided, single submitter. Criteria: ACMG Guidelines, 2015. Collection method: clinical testing. Allele origin: unknown.

GeneDx
Classification: Uncertain significance. Last evaluated: 2023-12-09. Review status: criteria provided, single submitter. Criteria: GeneDx Variant Classification Process June 2021. Collection method: clinical testing. Allele origin: germline. Affected: yes.
Comment: Not observed at significant frequency in large population cohorts (gnomAD); In silico analysis supports that this missense variant has a deleterious effect on protein structure/function; Has not been previously published as pathogenic or benign to our knowledge

Color Diagnostics, LLC DBA Color Health
Classification: Uncertain significance for Hereditary cancer-predisposing syndrome. Last evaluated: 2019-04-25. Review status: criteria provided, single submitter. Criteria: ACMG Guidelines, 2015. Collection method: clinical testing. Allele origin: germline.

Literature cited by the submitters: PubMed 32255556 (cited by Quest Diagnostics Nichols Institute San Juan Capistrano).

NM_004656.4(BAP1):c.2158C>T (p.Arg720Cys)

Gene: BAP1 (BRCA1 associated deubiquitinase 1; minus strand). Cytogenetic location: 3p21.1.
Variant type: single nucleotide variant.
Coding change: c.2158C>T on transcript NM_004656.4 (MANE Select); coding-DNA position 2158, C replaced by T.
Protein change: p.Arg720Cys; replaces arginine 720 with cysteine.
Molecular consequence: missense variant.
Genome position (GRCh38, 1-based): chr3:52,402,320, G>A on the plus strand (C>T on the coding strand, the complement: BAP1 is on the minus strand). VCF-style: chr3-52402320-G-A. GRCh37 (hg19) VCF-style: chr3-52436336-G-A.
Other names: c.2158C>T (NM_004656.2); short protein forms R720C.
Identifiers: ClinVar variation 629895 (VCV000629895.23), dbSNP rs759611495, ClinGen allele CA2436583.